The following is an entry in ClinVar:

NM_001199267.2(DGKZ):c.554G>A (p.Arg185Gln)

Genes: DGKZ (diacylglycerol kinase zeta; plus strand), LOC126861204 (CDK7 strongly-dependent group 2 enhancer GRCh37_chr11:46390736-46391935; plus strand). Cytogenetic location: 11p11.2.
Variant type: single nucleotide variant.
Coding change: c.554G>A on transcript NM_001199267.2 (MANE Select); coding-DNA position 554, G replaced by A.
Protein change: p.Arg185Gln; replaces arginine 185 with glutamine.
Molecular consequence: missense variant. On other transcripts: intron variant (1).
Genome position (GRCh38, 1-based): chr11:46,369,996, G>A. VCF-style: chr11-46369996-G-A. GRCh37 (hg19) VCF-style: chr11-46391546-G-A.
Other names: c.1121G>A, p.Arg374Gln (NM_001105540.2); c.557G>A, p.Arg186Gln (NM_001199266.2, NM_003646.4); c.605G>A, p.Arg202Gln (NM_201532.3); c.569G>A, p.Arg190Gln (NM_201533.3); c.501+446G>A (NM_001199268.2); short protein forms R185Q, R186Q, R374Q, R202Q, R190Q.
Identifiers: ClinVar variation 1405069 (VCV001405069.11), dbSNP rs372061661, ClinGen allele CA5962486.

ClinVar aggregate classification (germline): Uncertain significance. Review status: criteria provided, multiple submitters, no conflicts (2 of 4 stars). 2 submissions from 2 submitters: Uncertain significance (2). Last evaluated 2024-11-15.

Allele frequency attached by ClinVar (database versions not stated): ExAC 0.00002; gnomAD exomes 0.00004 and 0.00005; TOPMed 0.00004; gnomAD 0.00006 and 0.00007; ESP Exome Variant Server 0.00008.
gnomAD v4.1: 81 of 1,613,638 alleles (0.005%); highest among the groups gnomAD compares: Non-Finnish European, 0.0064%; no homozygotes.

Submissions (2):

Ambry Genetics
Classification: Uncertain significance. Last evaluated: 2024-11-15. Review status: criteria provided, single submitter. Criteria: Ambry Variant Classification Scheme 2023. Collection method: clinical testing. Allele origin: germline.

Labcorp Genetics (formerly Invitae), Labcorp
Classification: Uncertain significance. Last evaluated: 2023-03-26. Review status: criteria provided, single submitter. Criteria: Invitae Variant Classification Sherloc (09022015). Collection method: clinical testing. Allele origin: germline.
Comment: This sequence change replaces arginine, which is basic and polar, with glutamine, which is neutral and polar, at codon 374 of the DGKZ protein (p.Arg374Gln). This variant is present in population databases (rs372061661, gnomAD 0.009%). This variant has not been reported in the literature in individuals affected with DGKZ-related conditions. ClinVar contains an entry for this variant (Variation ID: 1405069). An algorithm developed to predict the effect of missense changes on protein structure and function (PolyPhen-2) suggests that this variant is likely to be disruptive. In summary, the available evidence is currently insufficient to determine the role of this variant in disease. Therefore, it has been classified as a Variant of Uncertain Significance.